The following is an entry in ClinVar:

NM_000754.4(COMT):c.609C>T (p.Leu203=)

Gene: COMT (catechol-O-methyltransferase; plus strand). Cytogenetic location: 22q11.21.
Variant type: single nucleotide variant.
Coding change: c.609C>T on transcript NM_000754.4 (MANE Select); coding-DNA position 609, C replaced by T.
Protein change: p.Leu203=; no amino-acid change (leucine 203 retained).
Molecular consequence: synonymous variant.
Genome position (GRCh38, 1-based): chr22:19,964,293, C>T. VCF-style: chr22-19964293-C-T. GRCh37 (hg19) VCF-style: chr22-19951816-C-T.
Other names: c.609C>T, p.Leu203= (NM_001135161.2, NM_001135162.2, NM_001362828.2); c.459C>T, p.Leu153= (NM_007310.3).
Identifiers: ClinVar variation 2652872 (VCV002652872.24), dbSNP rs165631, ClinGen allele CA10104657.
Genomic context (GRCh38, chr22:19,964,293, plus strand): 5'-CACACTGGACATGGTCTTCCTCGACCACTGGAAGGACCGGTACCTGCCGGACACGCTTCT[C>T]TTGGAGGTGAGCCCCAACCAGGATGGCATCCGTGCCAGCTGCTGCCCAGAGCCCATTCAG-3'
Protein context (NP_000745.1, residues 193-213): WKDRYLPDTL[Leu203=]LEECGLLRKG

ClinVar aggregate classification (germline): Benign (1 of 4 stars; one submission).

Allele frequency attached by ClinVar (database versions not stated): 1000 Genomes Project 0.00919; 1000 Genomes Project 30x 0.00968; gnomAD 0.00977; TOPMed 0.01008; ESP Exome Variant Server 0.01038; ExAC 0.01068; gnomAD exomes 0.01277.
gnomAD v4.1: 20,271 of 1,613,988 alleles (1.3%); highest among the groups gnomAD compares: Middle Eastern, 6.3%; 193 homozygotes.

Submission:

CeGaT Center for Human Genetics Tuebingen
Classification: Benign. Last evaluated: 2026-08-01. Review status: criteria provided, single submitter. Criteria: CeGaT Center For Human Genetics Tuebingen Variant Classification Criteria Version 2. Collection method: clinical testing. Allele origin: germline. Affected: yes. Observed: 20 variant alleles.
Comment: COMT: BP4, BP7, BS1, BS2